The following is an entry in ClinVar:

ClinVar aggregate classification (germline): Benign/Likely benign. Review status: criteria provided, single submitter (1 of 4 stars). 2 submissions from 1 submitter: Benign (1); Likely benign (1). Last evaluated 2018-01-13.

Conditions:
Endocardial fibroelastosis (EFE). Identifiers: Orphanet 2022, MedGen C0014117, MONDO:0009169, OMIM 226000, HP:0001706.
Primary dilated cardiomyopathy (DCM). Also called: Dilated Cardiomyopathy. Identifiers: Orphanet 217604, MedGen C0007193, MeSH D002311, MONDO:0005021, HP:0001644. Inheritance: Various modes of inheritance.

Allele frequency attached by ClinVar (database versions not stated): ExAC 0.00024; gnomAD 0.00036; TOPMed 0.00116; 1000 Genomes Project 30x 0.00333; 1000 Genomes Project 0.00344.
gnomAD v4.1: 184 of 347,608 alleles (0.053%); highest among the groups gnomAD compares: East Asian, 1.4%; 2 homozygotes.

Submissions (2):

Illumina Laboratory Services, Illumina
Classification: Benign for Endocardial fibroelastosis. Last evaluated: 2018-01-13. Review status: criteria provided, single submitter. Criteria: ICSL Variant Classification Criteria 13 December 2019. Collection method: clinical testing. Allele origin: germline.
Comment: This variant was observed in the ICSL laboratory as part of a predisposition screen in an ostensibly healthy population. It had not been previously curated by ICSL or reported in the Human Gene Mutation Database (HGMD: prior to June 1st, 2018), and was therefore a candidate for classification through an automated scoring system. Utilizing variant allele frequency, disease prevalence and penetrance estimates, and inheritance mode, an automated score was calculated to assess if this variant is too frequent to cause the disease. Based on the score and internal cut-off values, a variant classified as benign is not then subjected to further curation. The score for this variant resulted in a classification of benign for this disease.

Illumina Laboratory Services, Illumina
Classification: Likely benign for Primary dilated cardiomyopathy. Last evaluated: 2018-01-13. Review status: criteria provided, single submitter. Criteria: ICSL Variant Classification Criteria 13 December 2019. Collection method: clinical testing. Allele origin: germline.
Comment: This variant was observed in the ICSL laboratory as part of a predisposition screen in an ostensibly healthy population. It had not been previously curated by ICSL or reported in the Human Gene Mutation Database (HGMD: prior to June 1st, 2018), and was therefore a candidate for classification through an automated scoring system. Utilizing variant allele frequency, disease prevalence and penetrance estimates, and inheritance mode, an automated score was calculated to assess if this variant is too frequent to cause the disease. Based on the score and internal cut-off values, a variant classified as likely benign is not then subjected to further curation. The score for this variant resulted in a classification of likely benign for this disease.

NM_000116.5(TAFAZZIN):c.*396C>T

Gene: TAFAZZIN (tafazzin, phospholipid-lysophospholipid transacylase; plus strand). Cytogenetic location: Xq28.
Variant type: single nucleotide variant.
Coding change: c.*396C>T on transcript NM_000116.5 (MANE Select); 396 bases downstream of the stop codon, C replaced by T.
Molecular consequence: 3 prime UTR variant. On other transcripts: non-coding transcript variant (1).
Genome position (GRCh38, 1-based): chrX:154,421,400, C>T. VCF-style: chrX-154421400-C-T. GRCh37 (hg19) VCF-style: chrX-153649739-C-T.
Other names: c.*396C>T (NM_001303465.2, NM_181311.4, NM_181312.4 and 1 more transcripts).
Identifiers: ClinVar variation 368090 (VCV000368090.6), dbSNP rs144283894, ClinGen allele CA10562481.